The following is an entry in ClinVar:

ClinVar aggregate classification (germline): Uncertain significance. Review status: criteria provided, single submitter (1 of 4 stars). 2 submissions from 2 submitters: Uncertain significance (1). 1 of the submissions does not count toward it. Last evaluated 2025-02-25.

Conditions:
Mitochondrial complex I deficiency, nuclear type 5. Also called: Mitochondrial complex 1 deficiency, nuclear type 5. Identifiers: MedGen C4748754, MONDO:0032610, OMIM 618226.

Submissions (2):

Labcorp Genetics (formerly Invitae), Labcorp
Classification: Uncertain significance. Last evaluated: 2025-02-25. Review status: criteria provided, single submitter. Criteria: Invitae Variant Classification Sherloc (09022015). Collection method: clinical testing. Allele origin: germline.
Comment: This sequence change replaces arginine, which is basic and polar, with threonine, which is neutral and polar, at codon 184 of the NDUFS1 protein (p.Arg184Thr). This variant also falls at the last nucleotide of exon 7, which is part of the consensus splice site for this exon. This variant is not present in population databases (gnomAD no frequency). This missense change has been observed in individual(s) with clinical features of mitochondrial complex deficiency (PMID: 38129218). This variant is also known as c.593G>C (p.Arg198Thr). ClinVar contains an entry for this variant (Variation ID: 916684). Invitae Evidence Modeling of protein sequence and biophysical properties (such as structural, functional, and spatial information, amino acid conservation, physicochemical variation, residue mobility, and thermodynamic stability) indicates that this missense variant is expected to disrupt NDUFS1 protein function with a positive predictive value of 95%. Variants that disrupt the consensus splice site are a relatively common cause of aberrant splicing (PMID: 17576681, 9536098). Algorithms developed to predict the effect of sequence changes on RNA splicing suggest that this variant may disrupt the consensus splice site. In summary, the available evidence is currently insufficient to determine the role of this variant in disease. Therefore, it has been classified as a Variant of Uncertain Significance.

Myelin Disorders Clinic-Children's Medical Center/Medical Genetics Lab-Tarbiat Modares University, Children's Medical Center, Pediatrics Center of Excellence,
Classification: Uncertain significance for Mitochondrial complex I deficiency, nuclear type 5. Review status: no assertion criteria provided. Collection method: clinical testing. Allele origin: inherited. Inheritance: Autosomal recessive inheritance. Affected: yes. Not counted in ClinVar's aggregate classification.

Literature cited by the submitters: PubMed 38129218 (cited by Labcorp Genetics (formerly Invitae), Labcorp); PubMed 17576681 (cited by Labcorp Genetics (formerly Invitae), Labcorp); PubMed 9536098 (cited by Labcorp Genetics (formerly Invitae), Labcorp).

NM_005006.7(NDUFS1):c.551G>C (p.Arg184Thr)

Gene: NDUFS1 (NADH:ubiquinone oxidoreductase core subunit S1; minus strand). Cytogenetic location: 2q33.3.
Variant type: single nucleotide variant.
Coding change: c.551G>C on transcript NM_005006.7 (MANE Select); coding-DNA position 551, G replaced by C.
Protein change: p.Arg184Thr; replaces arginine 184 with threonine.
Molecular consequence: missense variant.
Genome position (GRCh38, 1-based): chr2:206,147,531, C>G on the plus strand (G>C on the coding strand, the complement: NDUFS1 is on the minus strand). VCF-style: chr2-206147531-C-G. GRCh37 (hg19) VCF-style: chr2-207012255-C-G.
Other names: c.443G>C, p.Arg148Thr (NM_001199981.2); c.218G>C, p.Arg73Thr (NM_001199982.2); c.380G>C, p.Arg127Thr (NM_001199983.2); c.593G>C, p.Arg198Thr (NM_001199984.2); short protein forms R198T, R127T, R148T, R184T, R73T.
Identifiers: ClinVar variation 916684 (VCV000916684.3), dbSNP rs1458382625, ClinGen allele CA350060768.